The following is an entry in ClinVar:

ClinVar aggregate classification (germline): Likely pathogenic (1 of 4 stars; one submission).

Submission:

GeneDx
Classification: Likely pathogenic. Last evaluated: 2016-01-18. Review status: criteria provided, single submitter. Criteria: GeneDx Variant Classification (06012015). Collection method: clinical testing. Allele origin: germline. Affected: yes.
Comment: A novel G419V variant that is likely pathogenic has been identified in the SCL2A1 gene. The G419V variant has not been published as a pathogenic variant, nor has it been reported as a benign variant to our knowledge. However, a different amino acid substitution at the same position (G419C) was previously reported to be associated with altered GLUT1 enyzme activity (Hruz et al., 2000). The G419V variant was not observed in approximately 6,500 individuals of European and African American ancestry in the NHLBI Exome Sequencing Project, indicating it is not a common benign variant in these populations. The G419V variant is a conservative amino acid substitution, which is not likely to impact secondary protein structure as these residues share similar properties. This substitution occurs at a position that is conserved across species, and in silico analysis predicts this variant is probably damaging to the protein structure/function. Therefore, this variant is likely pathogenic; however, the possibility that it is benign cannot be excluded.

NM_006516.4(SLC2A1):c.1256G>T (p.Gly419Val)

Gene: SLC2A1 (solute carrier family 2 member 1; minus strand). Cytogenetic location: 1p34.2.
Variant type: single nucleotide variant.
Coding change: c.1256G>T on transcript NM_006516.4 (MANE Select); coding-DNA position 1256, G replaced by T.
Protein change: p.Gly419Val; replaces glycine 419 with valine.
Molecular consequence: missense variant.
Genome position (GRCh38, 1-based): chr1:42,927,627, C>A on the plus strand (G>T on the coding strand, the complement: SLC2A1 is on the minus strand). VCF-style: chr1-42927627-C-A. GRCh37 (hg19) VCF-style: chr1-43393298-C-A.
Other names: short protein forms G419V.
Identifiers: ClinVar variation 372669 (VCV000372669.1), dbSNP rs139722450, ClinGen allele CA16042369.